The following is an entry in ClinVar:

NM_000059.4(BRCA2):c.8457T>G (p.Asp2819Glu)

Gene: BRCA2 (BRCA2 DNA repair associated; plus strand). Cytogenetic location: 13q13.1.
Variant type: single nucleotide variant.
Coding change: c.8457T>G on transcript NM_000059.4 (MANE Select); coding-DNA position 8457, T replaced by G.
Protein change: p.Asp2819Glu; replaces aspartic acid 2819 with glutamic acid.
Molecular consequence: missense variant.
Genome position (GRCh38, 1-based): chr13:32,370,527, T>G. VCF-style: chr13-32370527-T-G. GRCh37 (hg19) VCF-style: chr13-32944664-T-G.
Other names: short protein forms D2819E.
Identifiers: ClinVar variation 1358772 (VCV001358772.10), dbSNP rs876660166, ClinGen allele CA387752595.
Genomic context (GRCh38, chr13:32,370,527, plus strand): 5'-ACCTTTTCCTCTGCCCTTATCATCGCTTTTCAGTGATGGAGGAAATGTTGGTTGTGTTGA[T>G]GTAATTATTCAAAGAGCATACCCTATACAGGTATGATGTATTCTTGAAACTTACCATATA-3'
Protein context (NP_000050.3, residues 2809-2829): FSDGGNVGCV[Asp2819Glu]VIIQRAYPIQ

ClinVar aggregate classification (germline): Uncertain significance. Review status: criteria provided, multiple submitters, no conflicts (2 of 4 stars). 2 submissions from 2 submitters: Uncertain significance (2). Last evaluated 2024-02-12.

Conditions:
Hereditary cancer-predisposing syndrome. Also called: Tumor predisposition; Hereditary neoplastic syndrome; Neoplastic Syndromes, Hereditary; Hereditary Cancer Syndrome. Identifiers: Orphanet 140162, MedGen C0027672, MeSH D009386, MONDO:0015356.
Hereditary breast ovarian cancer syndrome. Also called: BRCA1- and BRCA2-Associated Hereditary Breast and Ovarian Cancer; Hereditary breast and ovarian cancer; Hereditary breast and/or ovarian cancer syndrome; Hereditary breast and ovarian cancer syndrome; Hereditary breast and ovarian cancer syndrome (HBOC); Breast and ovarian cancer. Identifiers: Orphanet 145, MedGen C0677776, MeSH D061325, MONDO:0003582. Disease mechanism: loss of function.

Submissions (2):

Labcorp Genetics (formerly Invitae), Labcorp
Classification: Uncertain significance for Hereditary breast ovarian cancer syndrome. Last evaluated: 2024-02-12. Review status: criteria provided, single submitter. Criteria: Invitae Variant Classification Sherloc (09022015). Collection method: clinical testing. Allele origin: germline.
Comment: This sequence change replaces aspartic acid, which is acidic and polar, with glutamic acid, which is acidic and polar, at codon 2819 of the BRCA2 protein (p.Asp2819Glu). This variant is not present in population databases (gnomAD no frequency). This missense change has been observed in individual(s) with a personal and/or family history of breast and/or ovarian cancer (PMID: 31954625). ClinVar contains an entry for this variant (Variation ID: 1358772). Advanced modeling of protein sequence and biophysical properties (such as structural, functional, and spatial information, amino acid conservation, physicochemical variation, residue mobility, and thermodynamic stability) performed at Invitae indicates that this missense variant is not expected to disrupt BRCA2 protein function with a negative predictive value of 95%. Algorithms developed to predict the effect of sequence changes on RNA splicing suggest that this variant may disrupt the consensus splice site. In summary, the available evidence is currently insufficient to determine the role of this variant in disease. Therefore, it has been classified as a Variant of Uncertain Significance.

Ambry Genetics
Classification: Uncertain significance for Hereditary cancer-predisposing syndrome. Last evaluated: 2022-04-11. Review status: criteria provided, single submitter. Criteria: Ambry Variant Classification Scheme 2023. Collection method: clinical testing. Allele origin: germline.
Comment: The p.D2819E variant (also known as c.8457T>G), located in coding exon 18 of the BRCA2 gene, results from a T to G substitution at nucleotide position 8457. The aspartic acid at codon 2819 is replaced by glutamic acid, an amino acid with highly similar properties. This amino acid position is highly conserved in available vertebrate species. In addition, the in silico prediction for this alteration is inconclusive. Since supporting evidence is limited at this time, the clinical significance of this alteration remains unclear.

Literature cited by the submitters: PubMed 31954625 (cited by Labcorp Genetics (formerly Invitae), Labcorp and Ambry Genetics).